The following is an entry in ClinVar:

ClinVar aggregate classification (germline): Uncertain significance (1 of 4 stars; one submission).

Allele frequency attached by ClinVar (database versions not stated): gnomAD exomes 0.00001.
gnomAD v4.1: 3 of 1,614,004 alleles (0.00019%); highest among the groups gnomAD compares: Admixed American, 0.005%; no homozygotes.

Submission:

Labcorp Genetics (formerly Invitae), Labcorp
Classification: Uncertain significance. Last evaluated: 2022-01-07. Review status: criteria provided, single submitter. Criteria: Invitae Variant Classification Sherloc (09022015). Collection method: clinical testing. Allele origin: germline.
Comment: In summary, the available evidence is currently insufficient to determine the role of this variant in disease. Therefore, it has been classified as a Variant of Uncertain Significance. Algorithms developed to predict the effect of missense changes on protein structure and function output the following: SIFT: "Tolerated"; PolyPhen-2: "Benign"; Align-GVGD: "Class C0". The lysine amino acid residue is found in multiple mammalian species, which suggests that this missense change does not adversely affect protein function. ClinVar contains an entry for this variant (Variation ID: 955402). This variant has not been reported in the literature in individuals affected with VCAN-related conditions. This variant is present in population databases (no rsID available, gnomAD 0.009%). This sequence change replaces glutamic acid, which is acidic and polar, with lysine, which is basic and polar, at codon 2269 of the VCAN protein (p.Glu2269Lys).

NM_004385.5(VCAN):c.6805G>A (p.Glu2269Lys)

Genes: VCAN (versican; plus strand), VCAN-AS1 (VCAN antisense RNA 1; minus strand). Cytogenetic location: 5q14.3.
Variant type: single nucleotide variant.
Coding change: c.6805G>A on transcript NM_004385.5 (MANE Select); coding-DNA position 6805, G replaced by A.
Protein change: p.Glu2269Lys; replaces glutamic acid 2269 with lysine.
Molecular consequence: missense variant. On other transcripts: intron variant (2).
Genome position (GRCh38, 1-based): chr5:83,539,808, G>A. VCF-style: chr5-83539808-G-A. GRCh37 (hg19) VCF-style: chr5-82835627-G-A.
Other names: c.3844G>A, p.Glu1282Lys (NM_001164097.2); c.4004-5729G>A (NM_001164098.2); c.1043-5729G>A (NM_001126336.3); short protein forms E1282K, E2269K.
Identifiers: ClinVar variation 955402 (VCV000955402.9), dbSNP rs1257114098, ClinGen allele CA360313367.
Genomic context (GRCh38, chr5:83,539,808, plus strand): 5'-ACTGAGCTCTTATTCTCTGGACTGGGATCAGGAGAAGAAGTTTTACCTACTCTACCAACA[G>A]AGTCAGTGAATTTTACTGAAGTGGAACAAATCAATAACACATTATATCCCCACACTTCTC-3'
Protein context (NP_004376.2, residues 2259-2279): GEEVLPTLPT[Glu2269Lys]SVNFTEVEQI